The following is an entry in ClinVar:

ClinVar aggregate classification (germline): Likely benign. Review status: criteria provided, multiple submitters, no conflicts (2 of 4 stars). 3 submissions from 3 submitters: Likely benign (2). 1 of the submissions does not count toward it. Last evaluated 2026-06-01.

Conditions:
EMP2-related disorder. Also called: EMP2-related condition.

Allele frequency attached by ClinVar (database versions not stated): gnomAD exomes 0.00001; gnomAD 0.00003; ExAC 0.00004; ESP Exome Variant Server 0.00008; TOPMed 0.00008; 1000 Genomes Project 0.00020; 1000 Genomes Project 30x 0.00031.
gnomAD v4.1: 21 of 1,614,150 alleles (0.0013%); highest among the groups gnomAD compares: Admixed American, 0.015%; no homozygotes.

Submissions (3):

CeGaT Center for Human Genetics Tuebingen
Classification: Likely benign. Last evaluated: 2026-06-01. Review status: criteria provided, single submitter. Criteria: CeGaT Center For Human Genetics Tuebingen Variant Classification Criteria Version 2. Collection method: clinical testing. Allele origin: germline. Affected: yes. Observed: 1 variant allele.
Comment: EMP2: BP4, BP7

Labcorp Genetics (formerly Invitae), Labcorp
Classification: Likely benign. Last evaluated: 2024-12-16. Review status: criteria provided, single submitter. Criteria: Invitae Variant Classification Sherloc (09022015). Collection method: clinical testing. Allele origin: germline.

PreventionGenetics, part of Exact Sciences
Classification: Likely benign for EMP2-related condition. Last evaluated: 2020-08-25. Review status: no assertion criteria provided. Collection method: clinical testing. Allele origin: germline. Not counted in ClinVar's aggregate classification.
Comment: This variant is classified as likely benign based on ACMG/AMP sequence variant interpretation guidelines (Richards et al. 2015 PMID: 25741868, with internal and published modifications).

NM_001424.6(EMP2):c.285T>C (p.Phe95=)

Gene: EMP2 (epithelial membrane protein 2; minus strand). Cytogenetic location: 16p13.13.
Variant type: single nucleotide variant.
Coding change: c.285T>C on transcript NM_001424.6 (MANE Select); coding-DNA position 285, T replaced by C.
Protein change: p.Phe95=; no amino-acid change (phenylalanine 95 retained).
Molecular consequence: synonymous variant.
Genome position (GRCh38, 1-based): chr16:10,537,959, A>G on the plus strand (T>C on the coding strand, the complement: EMP2 is on the minus strand). VCF-style: chr16-10537959-A-G. GRCh37 (hg19) VCF-style: chr16-10631816-A-G.
Other names: c.285T>C (NM_001424.5).
Identifiers: ClinVar variation 2177903 (VCV002177903.8), dbSNP rs114697054, ClinGen allele CA7897798.